The following is an entry in ClinVar:

ClinVar aggregate classification (germline): Pathogenic/Likely pathogenic. Review status: criteria provided, multiple submitters, no conflicts (2 of 4 stars). 21 submissions from 21 submitters: Pathogenic (17); Likely pathogenic (3). 1 of the submissions does not count toward it. Last evaluated 2026-07-06.

Conditions:
NF1-related disorder. Also called: NF1-related condition. Identifiers: MedGen CN379171.
Cardiovascular phenotype. Identifiers: MedGen CN230736.
Hereditary cancer-predisposing syndrome. Also called: Hereditary Cancer Syndrome; Tumor predisposition; Hereditary neoplastic syndrome; Neoplastic Syndromes, Hereditary. Identifiers: Orphanet 140162, MedGen C0027672, MeSH D009386, MONDO:0015356.
Neurofibromatosis, type 1 (NF1). Also called: Peripheral type neurofibromatosis; Neurofibromatosis, type I; VON RECKLINGHAUSEN DISEASE; NEUROFIBROMATOSIS, TYPE I, SOMATIC. Identifiers: Orphanet 636, MedGen C0027831, MONDO:0018975, OMIM 162200. Disease mechanism: loss of function.
Tibial pseudarthrosis. Identifiers: MedGen C4024216, HP:0009736.
Rhabdomyosarcoma. Also called: Rhabdomyosarcoma (disease). Identifiers: Orphanet 780, MedGen C0035412, MeSH D012208, MONDO:0005212, HP:0002859.

Submissions 1 to 8 of 21:

Myriad Genetics, Inc.
Classification: Likely pathogenic for Neurofibromatosis, type 1. Last evaluated: 2026-07-06. Review status: criteria provided, single submitter. Criteria: Myriad Autosomal Dominant, Autosomal Recessive and X-Linked Classification Criteria (2023). Collection method: clinical testing. Allele origin: unknown.
Comment: This variant is considered likely pathogenic. This variant has been reported in multiple individuals with clinical features of gene-specific disease [PMID: 28924536, 8081387, 40169570, 31776437, 18546366].

Broad Center for Mendelian Genomics, Broad Institute of MIT and Harvard
Classification: Pathogenic for Neurofibromatosis, type 1. Last evaluated: 2026-03-02. Review status: criteria provided, single submitter. Criteria: ACMG Guidelines, 2015. Collection method: research. Allele origin: germline. Inheritance: Autosomal dominant inheritance.
Comment: Trio exome analysis showed this variant to be de novo. The p.Asn2387_Phe2388del variant in NF1 has been reported in over 10 individuals with neurofibromatosis type 1 (PMID: 24789688, 18546366, 8081387, 27838393, 30014477, 10862084, 34427956, 32024963, 31766501, 28924536, 25541118, 25293717, 22962301, 31533797), and was absent from large population studies. This variant has also been reported in ClinVar (Variation ID: 220715) and has been interpreted as pathogenic/likely pathogenic by several labs. The number of reported affected individuals with this variant is greater than expected compared to non-affected individuals with this variant. This variant is assumed de novo in 2 individuals, but maternity and paternity have not been confirmed (PMID: 28924536, 10862084). This variant is a deletion of 2 amino acids at positions 2387 and 2388 and is not predicted to alter the protein reading-frame. This deletion is expected to impact the protein. In summary, this variant meets criteria to be classified as pathogenic for autosomal dominant neurofibromatosis type 1. ACMG/AMP Criteria applied: PS2, PS4, PM2_supporting, PM4_supporting (Richards 2015).

Labcorp Genetics (formerly Invitae), Labcorp
Classification: Pathogenic for Neurofibromatosis, type 1. Last evaluated: 2026-01-28. Review status: criteria provided, single submitter. Criteria: Invitae Variant Classification Sherloc (09022015). Collection method: clinical testing. Allele origin: germline.
Comment: This variant, c.7096_7101del, results in the deletion of 2 amino acid(s) of the NF1 protein (p.Asn2366_Phe2367del), but otherwise preserves the integrity of the reading frame. This variant is not present in population databases (gnomAD no frequency). This variant has been observed in individuals with neurofibromatosis (PMID: 8081387, 10862084, 18546366, 24789688). It has also been observed to segregate with disease in related individuals. Invitae Evidence Modeling of clinical and family history, age, sex, and reported ancestry of multiple individuals with this NF1 variant has been performed. This variant is expected to be pathogenic with a positive predictive value of at least 99%. This is a validated machine learning model that incorporates the clinical features of 1,785,918 individuals referred to our laboratory for NF1 testing. ClinVar contains an entry for this variant (Variation ID: 220715). For these reasons, this variant has been classified as Pathogenic.

3billion
Classification: Pathogenic for Neurofibromatosis, type 1. Last evaluated: 2025-12-04. Review status: criteria provided, single submitter. Criteria: ACMG Guidelines, 2015. Collection method: clinical testing. Allele origin: germline. Affected: yes.
Comment: The variant is observed at an extremely low frequency in the gnomAD v4.1.0 dataset (total allele frequency: <0.001%). Predicted Consequence/Location: Inframe deletion located in a nonrepeat region: predicted to change the length of the protein and disrupt normal protein function. In silico tool predictions suggest damaging effect of the variant on gene or gene product[3Cnet: 0.80 (>=0.6, sensitivity 0.72 and precision 0.9)]. The variant has been previously reported as de novo in a similarly affected individual (PMID: 28924536). The variant has been observed in multiple (>3) similarly affected unrelated individuals (PMID: 28924536, 31533797, 32405727, 34427956, 8081387). The variant has been reported at least twice as pathogenic with clinical assertions and evidence for the classification (ClinVar ID: VCV000220715 /PMID: 8081387). Therefore, this variant is classified as Pathogenic according to the recommendation of ACMG/AMP guideline.

Institute of Human Genetics, University of Leipzig Medical Center
Classification: Pathogenic for Neurofibromatosis, type 1. Last evaluated: 2025-08-21. Review status: criteria provided, single submitter. Criteria: ACMG Guidelines, 2015. Collection method: clinical testing. Allele origin: unknown. Inheritance: Autosomal dominant inheritance. Affected: yes.
Comment: Criteria applied: PP4,PS2_SUP,PS4,PM4,PM2_SUP,PP3

PreventionGenetics, part of Exact Sciences
Classification: Pathogenic for NF1-related condition. Last evaluated: 2024-10-04. Review status: criteria provided, single submitter. Criteria: ACMG Guidelines, 2015. Collection method: clinical testing. Allele origin: germline.
Comment: The NF1 c.7159_7164del6 variant is predicted to result in an in-frame deletion (p.Asn2387_Phe2388del). This variant is also referred to as c.7096_7101del (p.Asn2366_Phe2367del) in an alternate transcript (NM_000267). This variant has been reported in multiple individuals with neurofibromatosis type 1 (see for example: Abernathy et al. 1994. PubMed ID: 8081387; Zhu et al. 2019. PubMed ID: 31533797; Riva et al. 2021. PubMed ID: 34427956; Courtney et al. 2020. PubMed ID: 32405727;  Ulusal et al. 2017. PubMed ID: 28924536). This variant has not been reported in a large population database (gnomAD), indicating this variant is rare. In ClinVar, this variant is interpreted as pathogenic. This variant is interpreted as pathogenic.

Laboratoire de Génétique Moléculaire, CHU Bordeaux
Classification: Pathogenic for Neurofibromatosis, type 1. Last evaluated: 2024-04-08. Review status: criteria provided, single submitter. Criteria: ACMG Guidelines, 2015. Collection method: clinical testing. Allele origin: germline. Affected: yes.

Ambry Genetics
Classification: Pathogenic for Cardiovascular phenotype; Hereditary cancer-predisposing syndrome. Last evaluated: 2024-01-24. Review status: criteria provided, single submitter. Criteria: Ambry Variant Classification Scheme 2023. Collection method: clinical testing. Allele origin: germline.
Comment: The c.7096_7101delAACTTT (p.N2366_F2367del) alteration, located in coding exon 47 of the NF1 gene, results from an in-frame deletion of 6 nucleotides at positions c.7096 to c.7101. This results in the deletion of 2 amino acids between codons 2366 and 2367. This variant was not reported in population-based cohorts in the Genome Aggregation Database (gnomAD). This variant has been reported in in several unrelated individuals with a clinical diagnoses of NF1 and was confirmed as a de novo mutation in one individual with sporadic NF1. This amino acid position is highly conserved in available vertebrate species. This alteration is predicted to be deleterious by in silico analysis (Choi, 2012). Based on the available evidence, this alteration is classified as pathogenic.

NM_001042492.3(NF1):c.7153AACTTT[1] (p.2385NF[1])

Gene: NF1 (neurofibromin 1; plus strand). Cytogenetic location: 17q11.2.
Variant type: Microsatellite.
Coding change: c.7153AACTTT[1] on transcript NM_001042492.3 (MANE Select); one copy of the 6-base unit AACTTT starting at c.7153; the reference has two copies in a row; one copy, 6 bases deleted; also written c.7159_7164del.
Protein change: p.2385NF[1].
Molecular consequence: inframe deletion. On other transcripts: inframe indel (3).
Genome position (GRCh38, 1-based): chr17:31,343,105-31,343,110, AACTTT deleted; deleting any 6 consecutive bases within chr17:31,343,098-31,343,110 gives the same sequence; the position shown is the placement nearest the transcript's 3' end. VCF-style (leftmost placement, unchanged base first): chr17-31343097-CTAACTT-C. GRCh37 (hg19) VCF-style: chr17-29670115-CTAACTT-C.
Other names: NM_001042492.3(NF1):c.7153AACTTT[1]; p.2385NF[1]; c.7096_7101del (NM_000267.3); c.7096_7101delAACTTT (NM_000267.3); c.7159_7164del (NM_001042492.2, NM_001042492.3); c.7159_7164del6 (NM_001042492.2); c.7090_7095AACTTT[1], p.Asn2366_Phe2367del (NM_000267.4).
Identifiers: ClinVar variation 220715 (VCV000220715.71), dbSNP rs864622639, ClinGen allele CA350561.